The following is an entry in ClinVar:

ClinVar aggregate classification (germline): Uncertain significance (1 of 4 stars; one submission).

Conditions:
Thrombocytopenia 2 (THC2). Also called: ANKRD26-Related Thrombocytopenia. Identifiers: Orphanet 268322, MedGen C1861185, MONDO:0008555, OMIM 188000.

Submission:

St. Jude Molecular Pathology, St. Jude Children's Research Hospital
Classification: Uncertain significance for Thrombocytopenia 2. Last evaluated: 2024-03-04. Review status: criteria provided, single submitter. Criteria: St. Jude Assertion Criteria 2020. Collection method: clinical testing. Allele origin: germline.
Comment: The ANKRD26 c.3965C>A (p.Ala1322Glu) missense change is absent in gnomAD v2.1.1. This variant is not located in the 5' UTR. The in silico tool REVEL predicts a benign effect on protein function, but to our knowledge this prediction has not been confirmed by functional studies. To our knowledge, this variant has not been reported in individuals with ANKRD26-related thrombocytopenia. In summary, the evidence currently available is insufficient to determine the clinical significance of this variant. It has therefore been classified as of uncertain significance.

NM_014915.3(ANKRD26):c.3965C>A (p.Ala1322Glu)

Gene: ANKRD26 (ankyrin repeat domain 26; minus strand). Cytogenetic location: 10p12.1.
Variant type: single nucleotide variant.
Coding change: c.3965C>A on transcript NM_014915.3 (MANE Select); coding-DNA position 3965, C replaced by A.
Protein change: p.Ala1322Glu; replaces alanine 1322 with glutamic acid.
Molecular consequence: missense variant.
Genome position (GRCh38, 1-based): chr10:27,028,859, G>T on the plus strand (C>A on the coding strand, the complement: ANKRD26 is on the minus strand). VCF-style: chr10-27028859-G-T. GRCh37 (hg19) VCF-style: chr10-27317788-G-T.
Other names: c.3962C>A, p.Ala1321Glu (NM_001256053.2); short protein forms A1321E, A1322E.
Identifiers: ClinVar variation 3377819 (VCV003377819.1).